The following is an entry in ClinVar:

NM_004531.5(MOCS2):c.65dup (p.Leu23fs)

Gene: MOCS2 (molybdenum cofactor synthesis 2; minus strand). Cytogenetic location: 5q11.2.
Variant type: Duplication.
Coding change: c.65dup on transcript NM_004531.5 (MANE Select); coding-DNA position 65, one base duplicated (C; older notation c.65dupC).
Protein change: p.Leu23fs; shifts the reading frame from leucine 23.
Molecular consequence: frameshift variant.
Genome position (GRCh38, 1-based): chr5:53,107,110, G duplicated on the plus strand (C on the coding strand, the reverse complement: MOCS2 is on the minus strand); the first of 7 consecutive G bases (chr5:53,107,110-53,107,116); duplicating any one gives the same sequence. VCF-style (leftmost placement, unchanged base first): chr5-53107109-T-TG. GRCh37 (hg19) VCF-style: chr5-52402939-T-TG.
Other names: c.252dup (NM_176806.2); c.252dup, p.Ile85fs (NM_176806.4); short protein forms I85fs, L23fs.
Identifiers: ClinVar variation 6111 (VCV000006111.11), dbSNP rs398122799, ClinGen allele CA117943.

ClinVar aggregate classification (germline): Pathogenic. Review status: criteria provided, multiple submitters, no conflicts (2 of 4 stars). 3 submissions from 3 submitters: Pathogenic (2). 1 of the submissions does not count toward it. Last evaluated 2026-01-25.

Conditions:
Sulfite oxidase deficiency due to molybdenum cofactor deficiency type B1 (MOCODB1). Also called: Molybdenum cofactor deficiency B; MOLYBDENUM COFACTOR DEFICIENCY, TYPE B1; Molybdenum cofactor deficiency, complementation group B; Sulfite oxidase deficiency due to molybdenum cofactor deficiency type B. Identifiers: Orphanet 308393, Orphanet 833, MedGen C6065887, MONDO:0009644, OMIM 252160.

Submissions (3):

Labcorp Genetics (formerly Invitae), Labcorp
Classification: Pathogenic. Last evaluated: 2026-01-25. Review status: criteria provided, single submitter. Criteria: Invitae Variant Classification Sherloc (09022015). Collection method: clinical testing. Allele origin: germline.
Comment: The MOCS2 gene encodes two different proteins which are translated from alternative transcripts, MOCS2A and MOCS2B, that have different open reading frames. This variant occurs in MOCS2A, and corresponds to c.65dup (p.Leu23Ilefs*5) in MOCS2B. This sequence change creates a premature translational stop signal (p.Ile85Hisfs*2) in the MOCS2A gene. While this is not anticipated to result in nonsense mediated decay, it is expected to disrupt the last 4 amino acid(s) of the MOCS2A protein. This variant is present in population databases (rs398122799, gnomAD 0.008%). This premature translational stop signal has been observed in individual(s) with molybdenum cofactor deficiency (PMID: 10053004). This variant is also known as 252insC. ClinVar contains an entry for this variant (Variation ID: 6111). For these reasons, this variant has been classified as Pathogenic. Please note, this variant is also classified as Pathogenic in MOCS2B.

GeneDx
Classification: Pathogenic. Last evaluated: 2023-06-02. Review status: criteria provided, single submitter. Criteria: GeneDx Variant Classification Process June 2021. Collection method: clinical testing. Allele origin: germline. Affected: yes.
Comment: Frameshift variant predicted to result in protein truncation or nonsense mediated decay in a gene for which loss-of-function is a known mechanism of disease; Also known as c.252_253insC; p.(I85Hfs*2) based on transcript NM_176806.2; This variant is associated with the following publications: (PMID: 10053004, 12754701, 21031595, 10053003, 35692435, 35192225)

OMIM
Classification: Pathogenic for MOLYBDENUM COFACTOR DEFICIENCY, TYPE B1. Last evaluated: 2003-06-01. Review status: no assertion criteria provided. Collection method: literature only. Allele origin: germline. Not counted in ClinVar's aggregate classification.

Literature cited by the submitters: PubMed 10053004 (cited by Labcorp Genetics (formerly Invitae), Labcorp and OMIM); PubMed 10053003 (cited by OMIM); PubMed 12754701 (cited by OMIM).